The following is an entry in ClinVar:

ClinVar aggregate classification (germline): Uncertain significance (1 of 4 stars; one submission).

Allele frequency attached by ClinVar (database versions not stated): gnomAD exomes 0.00002; ExAC 0.00004; gnomAD 0.00004; TOPMed 0.00004.
gnomAD v4.1: 32 of 1,612,832 alleles (0.002%); highest among the groups gnomAD compares: Non-Finnish European, 0.0022%; no homozygotes.

Submission:

GeneDx
Classification: Uncertain significance. Last evaluated: 2019-09-09. Review status: criteria provided, single submitter. Criteria: GeneDx Variant Classification Process June 2021. Collection method: clinical testing. Allele origin: germline. Affected: yes.
Comment: Not observed at a significant frequency in large population cohorts (Lek et al., 2016); In silico analysis, which includes protein predictors and evolutionary conservation, supports that this variant does not alter protein structure/function; Has not been previously published as pathogenic or benign to our knowledge

NM_001195518.2(MICU1):c.1414G>A (p.Ala472Thr)

Gene: MICU1 (mitochondrial calcium uptake 1; minus strand). Cytogenetic location: 10q22.1.
Variant type: single nucleotide variant.
Coding change: c.1414G>A on transcript NM_001195518.2 (MANE Select); coding-DNA position 1414, G replaced by A.
Protein change: p.Ala472Thr; replaces alanine 472 with threonine.
Molecular consequence: missense variant.
Genome position (GRCh38, 1-based): chr10:72,368,212, C>T on the plus strand (G>A on the coding strand, the complement: MICU1 is on the minus strand). VCF-style: chr10-72368212-C-T. GRCh37 (hg19) VCF-style: chr10-74127970-C-T.
Other names: c.820G>A, p.Ala274Thr (NM_001195519.2); c.1432G>A, p.Ala478Thr (NM_001363513.2); c.1420G>A, p.Ala474Thr (NM_006077.4); short protein forms A274T, A472T, A474T, A478T.
Identifiers: ClinVar variation 1312116 (VCV001312116.2), dbSNP rs779006988, ClinGen allele CA5549980.